The following is an entry in ClinVar:

ClinVar aggregate classification (germline): Uncertain significance (1 of 4 stars; one submission).

Conditions:
Cardiovascular phenotype. Identifiers: MedGen CN230736.

Submission:

Ambry Genetics
Classification: Uncertain significance for Cardiovascular phenotype. Last evaluated: 2022-01-30. Review status: criteria provided, single submitter. Criteria: Ambry Variant Classification Scheme 2023. Collection method: clinical testing. Allele origin: germline.
Comment: The p.A3354G variant (also known as c.10061C>G), located in coding exon 2 of the ZNF469 gene, results from a C to G substitution at nucleotide position 10061. The alanine at codon 3354 is replaced by glycine, an amino acid with similar properties. This amino acid position is conserved. In addition, this alteration is predicted to be tolerated by in silico analysis. Since supporting evidence is limited at this time, the clinical significance of this alteration remains unclear.

NM_001367624.2(ZNF469):c.10145C>G (p.Ala3382Gly)

Gene: ZNF469 (zinc finger protein 469; plus strand). Cytogenetic location: 16q24.2.
Variant type: single nucleotide variant.
Coding change: c.10145C>G on transcript NM_001367624.2 (MANE Select); coding-DNA position 10145, C replaced by G.
Protein change: p.Ala3382Gly; replaces alanine 3382 with glycine.
Molecular consequence: missense variant.
Genome position (GRCh38, 1-based): chr16:88,437,615, C>G. VCF-style: chr16-88437615-C-G. GRCh37 (hg19) VCF-style: chr16-88504023-C-G.
Other names: NM_001127464.1:c.10061C>G; short protein forms A3382G.
Identifiers: ClinVar variation 1783123 (VCV001783123.2), dbSNP rs1906686628, ClinGen allele CA397125862.